The following is an entry in ClinVar:

NM_001039705.3(TRO):c.2465G>A (p.Ser822Asn)

Gene: TRO (trophinin; plus strand). Cytogenetic location: Xp11.21.
Variant type: single nucleotide variant.
Coding change: c.2465G>A on transcript NM_001039705.3 (MANE Select); coding-DNA position 2465, G replaced by A.
Protein change: p.Ser822Asn; replaces serine 822 with asparagine.
Molecular consequence: missense variant. On other transcripts: intron variant (3).
Genome position (GRCh38, 1-based): chrX:54,929,189, G>A. VCF-style: chrX-54929189-G-A. GRCh37 (hg19) VCF-style: chrX-54955622-G-A.
Other names: c.1058G>A, p.Ser353Asn (NM_001271183.2); c.1274G>A, p.Ser425Asn (NM_001271184.2); c.1986+479G>A (NM_016157.4, NM_177556.3); c.795+479G>A (NM_177557.3); short protein forms S353N, S425N, S822N.
Identifiers: ClinVar variation 4599533 (VCV004599533.1).

ClinVar aggregate classification (germline): Uncertain significance (1 of 4 stars; one submission).

gnomAD v4.1: 2 of 1,212,574 alleles (0.00016%); highest among the groups gnomAD compares: Non-Finnish European, 0.00022%; no homozygotes.

Submission:

Ambry Genetics
Classification: Uncertain significance. Last evaluated: 2025-11-05. Review status: criteria provided, single submitter. Criteria: Ambry Variant Classification Scheme 2023. Collection method: clinical testing. Allele origin: germline.
Comment: The c.2465G>A (p.S822N) alteration is located in exon 12 (coding exon 11) of the TRO gene. This alteration results from a G to A substitution at nucleotide position 2465, causing the serine (S) at amino acid position 822 to be replaced by an asparagine (N). Based on data from gnomAD, the A allele has an overall frequency of 0.001% (1/179807) total alleles studied. The highest observed frequency was 0.001% (1/79533) of European (non-Finnish) alleles. Based on insufficient or conflicting evidence, the clinical significance of this alteration remains unclear.